The following is an entry in ClinVar:

ClinVar aggregate classification (germline): Uncertain significance (1 of 4 stars; one submission).

Conditions:
Hereditary cancer-predisposing syndrome. Also called: Neoplastic Syndromes, Hereditary; Tumor predisposition; Hereditary Cancer Syndrome; Hereditary neoplastic syndrome. Identifiers: Orphanet 140162, MedGen C0027672, MeSH D009386, MONDO:0015356.

Submission:

Ambry Genetics
Classification: Uncertain significance for Hereditary cancer-predisposing syndrome. Last evaluated: 2026-01-26. Review status: criteria provided, single submitter. Criteria: Ambry Variant Classification Scheme 2023. Collection method: clinical testing. Allele origin: germline.
Comment: The p.P2002S variant (also known as c.6004C>T), located in coding exon 15 of the APC gene, results from a C to T substitution at nucleotide position 6004. The proline at codon 2002 is replaced by serine, an amino acid with similar properties. This amino acid position is conserved. In addition, in silico predictors for this gene do not accurately predict pathogenicity. Based on the available evidence, the clinical significance of this variant remains unclear.

NM_000038.6(APC):c.6004C>T (p.Pro2002Ser)

Gene: APC (APC regulator of Wnt signaling pathway; plus strand). Cytogenetic location: 5q22.2.
Variant type: single nucleotide variant.
Coding change: c.6004C>T on transcript NM_000038.6 (MANE Select); coding-DNA position 6004, C replaced by T.
Protein change: p.Pro2002Ser; replaces proline 2002 with serine.
Molecular consequence: missense variant. On other transcripts: non-coding transcript variant (2).
Genome position (GRCh38, 1-based): chr5:112,841,598, C>T. VCF-style: chr5-112841598-C-T. GRCh37 (hg19) VCF-style: chr5-112177295-C-T.
Other names: c.6004C>T, p.Pro2002Ser (NM_001127510.3, NM_001354895.2, NM_001407450.1); c.5950C>T, p.Pro1984Ser (NM_001127511.3); c.6058C>T, p.Pro2020Ser (NM_001354896.2, NM_001407447.1, NM_001407448.1 and 1 more transcripts); c.6034C>T, p.Pro2012Ser (NM_001354897.2); c.5929C>T, p.Pro1977Ser (NM_001354898.2); c.5920C>T, p.Pro1974Ser (NM_001354899.2); c.5881C>T, p.Pro1961Ser (NM_001354900.2); c.5827C>T, p.Pro1943Ser (NM_001354901.2, NM_001407453.1); and 11 more; short protein forms P1618S, P1719S, P1911S, P1961S, P1992S, P1995S, P2012S, P1901S.
Identifiers: ClinVar variation 4825036 (VCV004825036.1).